The following is an entry in ClinVar:

NM_000388.4(CASR):c.3034C>G (p.Pro1012Ala)

Gene: CASR (calcium sensing receptor; plus strand). Cytogenetic location: 3q21.1.
Variant type: single nucleotide variant.
Coding change: c.3034C>G on transcript NM_000388.4 (MANE Select); coding-DNA position 3034, C replaced by G.
Protein change: p.Pro1012Ala; replaces proline 1012 with alanine.
Molecular consequence: missense variant.
Genome position (GRCh38, 1-based): chr3:122,284,988, C>G. VCF-style: chr3-122284988-C-G. GRCh37 (hg19) VCF-style: chr3-122003835-C-G.
Other names: c.3064C>G, p.Pro1022Ala (NM_001178065.2); short protein forms P1022A, P1012A.
Identifiers: ClinVar variation 2941775 (VCV002941775.3), dbSNP rs763977493, ClinGen allele CA354161303.

ClinVar aggregate classification (germline): Uncertain significance (1 of 4 stars; one submission).

Conditions:
Familial hypocalciuric hypercalcemia (FHH). Also called: Familial benign hypercalcemia. Identifiers: Orphanet 405, MedGen C1809471, MONDO:0018458.
Autosomal dominant hypocalcemia 1 (HYPOC1). Also called: HYPOCALCEMIA, FAMILIAL. Identifiers: MedGen C3715128, MONDO:0011013, OMIM 601198.

Submission:

Labcorp Genetics (formerly Invitae), Labcorp
Classification: Uncertain significance for Familial hypocalciuric hypercalcemia; Autosomal dominant hypocalcemia 1. Last evaluated: 2022-11-23. Review status: criteria provided, single submitter. Criteria: Invitae Variant Classification Sherloc (09022015). Collection method: clinical testing. Allele origin: germline.
Comment: Algorithms developed to predict the effect of missense changes on protein structure and function output the following: SIFT: "Tolerated"; PolyPhen-2: "Benign"; Align-GVGD: "Class C0". The alanine amino acid residue is found in multiple mammalian species, which suggests that this missense change does not adversely affect protein function. In summary, the available evidence is currently insufficient to determine the role of this variant in disease. Therefore, it has been classified as a Variant of Uncertain Significance. This variant has not been reported in the literature in individuals affected with CASR-related conditions. This variant is not present in population databases (gnomAD no frequency). This sequence change replaces proline, which is neutral and non-polar, with alanine, which is neutral and non-polar, at codon 1012 of the CASR protein (p.Pro1012Ala).